The following is an entry in ClinVar:

NM_000426.4(LAMA2):c.6443del (p.Val2148fs)

Gene: LAMA2 (laminin subunit alpha 2; plus strand). Cytogenetic location: 6q22.33.
Variant type: Deletion.
Coding change: c.6443del on transcript NM_000426.4 (MANE Select); coding-DNA position 6443, one base deleted (T; older notation c.6443delT).
Protein change: p.Val2148fs; shifts the reading frame from valine 2148.
Molecular consequence: frameshift variant.
Genome position (GRCh38, 1-based): chr6:129,453,001, T deleted. VCF-style (leftmost placement, unchanged base first): chr6-129453000-GT-G. GRCh37 (hg19) VCF-style: chr6-129774145-GT-G.
Other names: c.6443del, p.Val2148fs (NM_001079823.2); c.6443delT (NM_000426.3); short protein forms V2148fs.
Identifiers: ClinVar variation 660013 (VCV000660013.10), dbSNP rs770895341, ClinGen allele CA3994274.
Genomic context (GRCh38, chr6:129,453,000, plus strand): 5'-TTTCTGAGAGATTTACTCTTGGTTCTTTGTATCTTGTTTTTTTTAAAGATCAAAGTATCT[GT>G]GTCTTCAGGAGGTGACTGCATTCGAACATACAAACCAGAAATCAAGAAAGGAAGTTACAA-3'

ClinVar aggregate classification (germline): Pathogenic. Review status: criteria provided, multiple submitters, no conflicts (2 of 4 stars). 2 submissions from 2 submitters: Pathogenic (2). Last evaluated 2026-02-05.

Conditions:
Fetal anomalies with a likely genetic cause.
LAMA2-related muscular dystrophy (LAMA2-RD). Also called: Laminin alpha 2-related dystrophy. Identifiers: MedGen C5679788, MONDO:0100228.

Allele frequency attached by ClinVar (database versions not stated): gnomAD below 0.00001 and 0.00001; ExAC 0.00001; gnomAD exomes 0.00001 and 0.00002; 1000 Genomes Project 30x 0.00016.

Submissions (2):

Genetics Laboratory, Great Ormond Street Hospital NHS Foundation Trust, North Thames Genomic Laboratory Hub
Classification: Pathogenic for Fetal anomalies with a likely genetic cause. Last evaluated: 2026-02-05. Review status: criteria provided, single submitter. Criteria: ACGS Best Practice Guidelines for Variant Classification in Rare Disease 2024 v1.2. Collection method: clinical testing. Allele origin: germline. Affected: yes.
Comment: PM2_moderate, PVS1_very-strong

Labcorp Genetics (formerly Invitae), Labcorp
Classification: Pathogenic for LAMA2-related muscular dystrophy. Last evaluated: 2018-08-29. Review status: criteria provided, single submitter. Criteria: Invitae Variant Classification Sherloc (09022015). Collection method: clinical testing. Allele origin: germline.
Comment: For these reasons, this variant has been classified as Pathogenic. Loss-of-function variants in LAMA2 are known to be pathogenic (PMID: 18700894). This variant has been observed in an individual affected with merosin-deficient congenital muscular dystrophy type 1A (PMID: 28688748). This variant is present in population databases (rs770895341, ExAC 0.006%). This sequence change creates a premature translational stop signal (p.Val2148Glyfs*27) in the LAMA2 gene. It is expected to result in an absent or disrupted protein product.

Literature cited by the submitters: PubMed 18700894 (cited by Labcorp Genetics (formerly Invitae), Labcorp); PubMed 28688748 (cited by Labcorp Genetics (formerly Invitae), Labcorp).